The following is an entry in ClinVar:

ClinVar aggregate classification (germline): Uncertain significance (1 of 4 stars; one submission).

Conditions:
Cerebellar ataxia. Identifiers: Orphanet 102002, MedGen C0007758, MONDO:0000437.
Microcephaly. Also called: Microcephaly (disease). Identifiers: MedGen C4551563, MONDO:0001149, HP:0000252.
Tremor. Also called: tremors. Identifiers: MedGen C0040822, HP:0001337.

Submission:

The Shared Resource Centre "Genome", Research Centre for Medical Genetics
Classification: Uncertain significance for Ataxia; Tremor; Microcephaly. Last evaluated: 2025-07-16. Review status: criteria provided, single submitter. Criteria: ACMG Guidelines, 2015. Collection method: clinical testing. Allele origin: de novo. Inheritance: Sporadic. Affected: yes. Observed: 1 heterozygote.
Comment: A previously undescribed nucleotide sequence variant was identified in exon 19 of the UNC13A gene (chr19:17645701C>G) in a heterozygous state, leading to a missense substitution (NM_001080421.3: c.2329G>C, p.(Gly777Arg)). The identified nucleotide sequence variant is not registered in gnomAD v3.1.2 control cohort. Pathogenicity prediction algorithms: fathmm_MKL_coding, M_CAP, PROVEAN, SIFT4G, SIFT, Polyphen2_HVAR, Polyphen2_HDIV, DEOGEN2, PrimateAI evaluate this variant as likely pathogenic, while FATHMM, MutationAssessor, and LRT evaluate it as neutral. Comprehensive pathogenicity assessment by meta-predictors: MetaSVM - pathogenic, MetaLR - pathogenic. No phenotypes associated with the UNC13A gene are described in the OMIM database. The variant arose de novo. A scientific publication describes a patient with another de novo missense variant in this gene with dyskinesia, developmental delay, tremor, and dystonia (PMID: 28192369). Another article describes a patient with a different de novo missense variant with developmental delay, microcephaly, intellectual disability, and spasticity (PMID: 31130284). Based on the totality of information, this variant should be classified as a Variant of Uncertain Significance (PM2 Moderate, PP3 Supporting, PP2 Supporting, PS2 Supporting).

Literature cited by the submitters: PubMed 28192369; PubMed 31130284.

NM_001080421.3(UNC13A):c.2329G>C (p.Gly777Arg)

Gene: UNC13A (unc-13 homolog A; minus strand). Cytogenetic location: 19p13.11.
Variant type: single nucleotide variant.
Coding change: c.2329G>C on transcript NM_001080421.3 (MANE Select); coding-DNA position 2329, G replaced by C.
Protein change: p.Gly777Arg; replaces glycine 777 with arginine.
Molecular consequence: missense variant.
Genome position (GRCh38, 1-based): chr19:17,645,701, C>G on the plus strand (G>C on the coding strand, the complement: UNC13A is on the minus strand). VCF-style: chr19-17645701-C-G. GRCh37 (hg19) VCF-style: chr19-17756510-C-G.
Other names: c.2323G>C, p.Gly775Arg (NM_001387021.1, NM_001387022.1, NM_001387023.1); short protein forms G775R, G777R.
Identifiers: ClinVar variation 4072368 (VCV004072368.1).